The following is an entry in ClinVar:

NM_014365.3(HSPB8):c.200G>T (p.Gly67Val)

Gene: HSPB8 (heat shock protein family B (small) member 8; plus strand). Cytogenetic location: 12q24.23.
Variant type: single nucleotide variant.
Coding change: c.200G>T on transcript NM_014365.3 (MANE Select); coding-DNA position 200, G replaced by T.
Protein change: p.Gly67Val; replaces glycine 67 with valine.
Molecular consequence: missense variant.
Genome position (GRCh38, 1-based): chr12:119,179,512, G>T. VCF-style: chr12-119179512-G-T. GRCh37 (hg19) VCF-style: chr12-119617317-G-T.
Other names: short protein forms G67V.
Identifiers: ClinVar variation 642253 (VCV000642253.8), dbSNP rs771852827, ClinGen allele CA6819517.

ClinVar aggregate classification (germline): Uncertain significance. Review status: criteria provided, multiple submitters, no conflicts (2 of 4 stars). 2 submissions from 2 submitters: Uncertain significance (2). Last evaluated 2024-06-04.

Conditions:
Inborn genetic diseases. Identifiers: MedGen C0950123, MeSH D030342.
Charcot-Marie-Tooth disease axonal type 2L. Also called: Charcot-Marie-Tooth Neuropathy Type 2L; CHARCOT-MARIE-TOOTH DISEASE, AXONAL, AUTOSOMAL DOMINANT, TYPE 2L; CHARCOT-MARIE-TOOTH NEUROPATHY, AXONAL, TYPE 2L. Identifiers: Orphanet 99945, MedGen C1837552, MONDO:0012096, OMIM 608673.

Allele frequency attached by ClinVar (database versions not stated): gnomAD 0.00001; TOPMed 0.00001; ExAC 0.00002; gnomAD exomes 0.00002 and 0.00003.

Submissions (2):

Labcorp Genetics (formerly Invitae), Labcorp
Classification: Uncertain significance for Charcot-Marie-Tooth disease axonal type 2L. Last evaluated: 2024-06-04. Review status: criteria provided, single submitter. Criteria: Invitae Variant Classification Sherloc (09022015). Collection method: clinical testing. Allele origin: germline.
Comment: This sequence change replaces glycine, which is neutral and non-polar, with valine, which is neutral and non-polar, at codon 67 of the HSPB8 protein (p.Gly67Val). This variant is present in population databases (rs771852827, gnomAD 0.004%). This variant has not been reported in the literature in individuals affected with HSPB8-related conditions. ClinVar contains an entry for this variant (Variation ID: 642253). An algorithm developed to predict the effect of missense changes on protein structure and function (PolyPhen-2) suggests that this variant is likely to be disruptive. In summary, the available evidence is currently insufficient to determine the role of this variant in disease. Therefore, it has been classified as a Variant of Uncertain Significance.

Ambry Genetics
Classification: Uncertain significance for Inborn genetic diseases. Last evaluated: 2023-09-14. Review status: criteria provided, single submitter. Criteria: Ambry Variant Classification Scheme 2023. Collection method: clinical testing. Allele origin: germline.